The following is an entry in ClinVar:

NM_080680.3(COL11A2):c.3302A>C (p.Lys1101Thr)

Gene: COL11A2 (collagen type XI alpha 2 chain; minus strand). Cytogenetic location: 6p21.32.
Variant type: single nucleotide variant.
Coding change: c.3302A>C on transcript NM_080680.3 (MANE Select); coding-DNA position 3302, A replaced by C.
Protein change: p.Lys1101Thr; replaces lysine 1101 with threonine.
Molecular consequence: missense variant.
Genome position (GRCh38, 1-based): chr6:33,171,281, T>G on the plus strand (A>C on the coding strand, the complement: COL11A2 is on the minus strand). VCF-style: chr6-33171281-T-G. GRCh37 (hg19) VCF-style: chr6-33139058-T-G.
Other names: c.2276A>C, p.Lys759Thr (NM_001424110.1, NM_001424111.1); c.1256A>C, p.Lys419Thr (NM_001424112.1); c.2981A>C, p.Lys994Thr (NM_080679.3); c.3044A>C, p.Lys1015Thr (NM_080681.3); c.3122A>C, p.Lys1041Thr (NM_001424108.1); c.2456A>C, p.Lys819Thr (NM_001424109.1); short protein forms K1101T, K419T, K994T, K1015T, K759T, K1041T, K819T.
Identifiers: ClinVar variation 3658673 (VCV003658673.2).
Genomic context (GRCh38, chr6:33,171,281, plus strand): 5'-GACTGAGGTTAAAGGCCAGGAGGTCAGAAGTCAAGGTCATGGACACTTACATGTTCACCC[T>G]TGTTCCCTTTGGTGCCCTTCTGTCCGGGGTCCCCCACCTCACCCTGGGAGGAGAAGGCAG-3'
Protein context (NP_542411.2, residues 1091-1111): DPGQKGTKGN[Lys1101Thr]GEHGPPGPPG

ClinVar aggregate classification (germline): Uncertain significance (1 of 4 stars; one submission).

Submission:

Labcorp Genetics (formerly Invitae), Labcorp
Classification: Uncertain significance. Last evaluated: 2024-07-14. Review status: criteria provided, single submitter. Criteria: Invitae Variant Classification Sherloc (09022015). Collection method: clinical testing. Allele origin: germline.
Comment: This sequence change replaces lysine, which is basic and polar, with threonine, which is neutral and polar, at codon 1101 of the COL11A2 protein (p.Lys1101Thr). This variant is not present in population databases (gnomAD no frequency). This variant has not been reported in the literature in individuals affected with COL11A2-related conditions. Advanced modeling of protein sequence and biophysical properties (such as structural, functional, and spatial information, amino acid conservation, physicochemical variation, residue mobility, and thermodynamic stability) performed at Invitae indicates that this missense variant is not expected to disrupt COL11A2 protein function with a negative predictive value of 80%. In summary, the available evidence is currently insufficient to determine the role of this variant in disease. Therefore, it has been classified as a Variant of Uncertain Significance.